The following is an entry in ClinVar:

ClinVar aggregate classification (germline): Uncertain significance (0 of 4 stars; one submission).

Submission:

Martin Pollak Laboratory,  Beth Israel Deaconess Medical Center
Classification: Uncertain significance. Review status: no assertion criteria provided. Collection method: not provided. Allele origin: unknown.
Comment: Lower UCa2+ group
ClinVar note: Converted during submission from unknown to Uncertain significance.

NM_001177316.2(SLC34A3):c.572G>A (p.Gly191Asp)

Gene: SLC34A3 (solute carrier family 34 member 3; plus strand). Cytogenetic location: 9q34.3.
Variant type: single nucleotide variant.
Coding change: c.572G>A on transcript NM_001177316.2 (MANE Select); coding-DNA position 572, G replaced by A.
Protein change: p.Gly191Asp; replaces glycine 191 with aspartic acid.
Molecular consequence: missense variant.
Genome position (GRCh38, 1-based): chr9:137,233,220, G>A. VCF-style: chr9-137233220-G-A. GRCh37 (hg19) VCF-style: chr9-140127672-G-A.
Other names: c.572G>A, p.Gly191Asp (NM_001177317.2, NM_080877.3); short protein forms G191D.
Identifiers: ClinVar variation 64504 (VCV000064504.3), dbSNP rs387907508, ClinGen allele CA216295.